The following is an entry in ClinVar:

ClinVar aggregate classification (germline): Uncertain significance (1 of 4 stars; one submission).

Conditions:
LRRC45-related disorder. Also called: LRRC45-related condition.

gnomAD v4.1: 2 of 1,544,306 alleles (0.00013%); highest among the groups gnomAD compares: African/African-American, 0.0027%; no homozygotes.

Submission:

PreventionGenetics, part of Exact Sciences
Classification: Uncertain significance for LRRC45-related condition. Last evaluated: 2024-11-14. Review status: criteria provided, single submitter. Criteria: ACMG Guidelines, 2015. Collection method: clinical testing. Allele origin: germline.
Comment: The LRRC45 c.1809G>C variant is predicted to result in the amino acid substitution p.Gln603His. To our knowledge, this variant has not been reported in the literature or in a large population database (gnomAD), indicating this variant is rare. At this time, the clinical significance of this variant is uncertain due to the absence of conclusive functional and genetic evidence.

NM_144999.4(LRRC45):c.1809G>C (p.Gln603His)

Gene: LRRC45 (leucine rich repeat containing 45; plus strand). Cytogenetic location: 17q25.3.
Variant type: single nucleotide variant.
Coding change: c.1809G>C on transcript NM_144999.4 (MANE Select); coding-DNA position 1809, G replaced by C.
Protein change: p.Gln603His; replaces glutamine 603 with histidine.
Molecular consequence: missense variant.
Genome position (GRCh38, 1-based): chr17:82,030,459, G>C. VCF-style: chr17-82030459-G-C. GRCh37 (hg19) VCF-style: chr17-79988335-G-C.
Other names: short protein forms Q603H.
Identifiers: ClinVar variation 5001032 (VCV005001032.1).
Genomic context (GRCh38, chr17:82,030,459, plus strand): 5'-GCAGGCGGAGCTGGCGGCTCAGGAGGCGCTGAGGGAGAAGGCGGCGGCCCTGGAGCGCCA[G>C]CTGAAAGGTGAGCCAGACCCTTGTCCTCCCGCCGCCCACTGGTGGGACGTGAGGCCAGCC-3'
Protein context (NP_659436.1, residues 593-613): LREKAAALER[Gln603His]LKVMASDHRE